The following is an entry in ClinVar:

ClinVar aggregate classification (germline): Uncertain significance (1 of 4 stars; one submission).

Conditions:
Hereditary cancer-predisposing syndrome. Also called: Neoplastic Syndromes, Hereditary; Tumor predisposition; Hereditary Cancer Syndrome; Hereditary neoplastic syndrome. Identifiers: Orphanet 140162, MedGen C0027672, MeSH D009386, MONDO:0015356.

Submission:

Ambry Genetics
Classification: Uncertain significance for Hereditary cancer-predisposing syndrome. Last evaluated: 2025-12-22. Review status: criteria provided, single submitter. Criteria: Ambry Variant Classification Scheme 2023. Collection method: clinical testing. Allele origin: germline.
Comment: The p.G185W variant (also known as c.553G>T), located in coding exon 7 of the BAP1 gene, results from a G to T substitution at nucleotide position 553. The glycine at codon 185 is replaced by tryptophan, an amino acid with highly dissimilar properties. This alteration was non-functional in a high throughput genome editing haploid cell survival functional assay (Waters AJ et al. Nat Genet, 2024 Jul;56:1434-1445). This amino acid position is highly conserved in available vertebrate species. In addition, this alteration is predicted to be deleterious by in silico analysis. Based on the available evidence, the clinical significance of this variant remains unclear.

Literature cited by the submitters: PubMed 38969833.

NM_004656.4(BAP1):c.553G>T (p.Gly185Trp)

Gene: BAP1 (BRCA1 associated deubiquitinase 1; minus strand). Cytogenetic location: 3p21.1.
Variant type: single nucleotide variant.
Coding change: c.553G>T on transcript NM_004656.4 (MANE Select); coding-DNA position 553, G replaced by T.
Protein change: p.Gly185Trp; replaces glycine 185 with tryptophan.
Molecular consequence: missense variant.
Genome position (GRCh38, 1-based): chr3:52,407,201, C>A on the plus strand (G>T on the coding strand, the complement: BAP1 is on the minus strand). VCF-style: chr3-52407201-C-A. GRCh37 (hg19) VCF-style: chr3-52441217-C-A.
Other names: c.553G>T, p.Gly185Trp (NM_001410772.1); short protein forms G185W.
Identifiers: ClinVar variation 4842545 (VCV004842545.1).